The following is an entry in ClinVar:

ClinVar aggregate classification (germline): Uncertain significance (1 of 4 stars; one submission).

Conditions:
Inborn genetic diseases. Identifiers: MedGen C0950123, MeSH D030342.

Submission:

Ambry Genetics
Classification: Uncertain significance for Inborn genetic diseases. Last evaluated: 2021-08-31. Review status: criteria provided, single submitter. Criteria: Ambry Variant Classification Scheme 2023. Collection method: clinical testing. Allele origin: germline.
Comment: The c.899delT (p.M300Rfs*12) alteration, located in exon 4 (coding exon 4) of the TUBB3 gene, consists of a deletion of one nucleotide at position 899, causing a translational frameshift with a predicted alternate stop codon after 12 amino acids. This alteration occurs at the 3' terminus of the TUBB3 gene and is not expected to trigger nonsense-mediated mRNA decay; however, premature stop codons are typically deleterious in nature. Based on data from the Genome Aggregation Database (gnomAD), the TUBB3 c.899delT alteration was not observed, with coverage at this position. Based on insufficient or conflicting evidence, the clinical significance of this alteration remains unclear.

NM_006086.4(TUBB3):c.899del (p.Met300fs)

Gene: TUBB3 (tubulin beta 3 class III; plus strand). Cytogenetic location: 16q24.3.
Variant type: Deletion.
Coding change: c.899del on transcript NM_006086.4 (MANE Select); coding-DNA position 899, one base deleted (T; older notation c.899delT).
Protein change: p.Met300fs; shifts the reading frame from methionine 300.
Molecular consequence: frameshift variant.
Genome position (GRCh38, 1-based): chr16:89,935,350, T deleted. VCF-style (leftmost placement, unchanged base first): chr16-89935349-AT-A. GRCh37 (hg19) VCF-style: chr16-90001757-AT-A.
Other names: c.683del, p.Met228fs (NM_001197181.2); short protein forms M228fs, M300fs.
Identifiers: ClinVar variation 2230732 (VCV002230732.2), dbSNP rs2544627844, ClinGen allele CA2580092417.